The following is an entry in ClinVar:

ClinVar aggregate classification (germline): Conflicting classifications of pathogenicity. Review status: criteria provided, conflicting classifications (1 of 4 stars). 2 submissions from 2 submitters: Pathogenic (1); Uncertain significance (1). Last evaluated 2023-05-11.

Conditions:
Osteogenesis imperfecta type I (OI1). Also called: Lobstein disease; Classic Non-deforming Osteogenesis Imperfecta with Blue Sclerae; OSTEOGENESIS IMPERFECTA TARDA; OSTEOGENESIS IMPERFECTA WITH BLUE SCLERAE; Lobstein's Disease; OI, TYPE I. Identifiers: Orphanet 216796, Orphanet 666, MedGen C0023931, MONDO:0008146, OMIM 166200. Disease mechanism: loss of function.
Ehlers-Danlos syndrome, classic type, 1 (EDSCL1). Also called: Ehlers-Danlos syndrome, type 1; EHLERS-DANLOS SYNDROME, GRAVIS TYPE; EHLERS-DANLOS SYNDROME, SEVERE CLASSIC TYPE; Ehlers-Danlos Syndrome, Classic Type, COL5A1-Related; EDS I. Identifiers: MedGen C0268335, MONDO:0019567, OMIM 130000.

Submissions (2):

Labcorp Genetics (formerly Invitae), Labcorp
Classification: Pathogenic for Osteogenesis imperfecta type I; Ehlers-Danlos syndrome, classic type, 1. Last evaluated: 2023-05-11. Review status: criteria provided, single submitter. Criteria: Invitae Variant Classification Sherloc (09022015). Collection method: clinical testing. Allele origin: germline.
Comment: This sequence change falls in intron 40 of the COL1A2 gene. It does not directly change the encoded amino acid sequence of the COL1A2 protein. It affects a nucleotide within the consensus splice site. This variant is not present in population databases (gnomAD no frequency). This variant has been observed in individual(s) with clinical features of osteogenesis imperfecta (Invitae). In at least one individual the variant was observed to be de novo. ClinVar contains an entry for this variant (Variation ID: 639342). Variants that disrupt the consensus splice site are a relatively common cause of aberrant splicing (PMID: 17576681, 9536098). Algorithms developed to predict the effect of sequence changes on RNA splicing suggest that this variant may disrupt the consensus splice site. For these reasons, this variant has been classified as Pathogenic.

Blueprint Genetics
Classification: Uncertain significance. Last evaluated: 2017-11-21. Review status: criteria provided, single submitter. Criteria: ACMG Guidelines, 2015. Collection method: clinical testing. Allele origin: germline.

Literature cited by the submitters: PubMed 17576681 (cited by Labcorp Genetics (formerly Invitae), Labcorp); PubMed 9536098 (cited by Labcorp Genetics (formerly Invitae), Labcorp).

NM_000089.4(COL1A2):c.2565+3_2565+6del

Gene: COL1A2 (collagen type I alpha 2 chain; plus strand). Cytogenetic location: 7q21.3.
Variant type: Deletion.
Coding change: c.2565+3_2565+6del on transcript NM_000089.4 (MANE Select); bases 3 to 6 of the intron after coding-DNA position 2565, 4 bases deleted (AAGT; older notation c.2565+3_2565+6delAAGT).
Molecular consequence: splice donor variant.
Genome position (GRCh38, 1-based): chr7:94,423,121-94,423,124, AAGT deleted; deleting any 4 consecutive bases within chr7:94,423,119-94,423,124 gives the same sequence; the c. name uses the placement nearest the transcript's 3' end. VCF-style (leftmost placement, unchanged base first): chr7-94423118-TGTAA-T. GRCh37 (hg19) VCF-style: chr7-94052430-TGTAA-T.
Other names: c.2565+3_2565+6delAAGT (NM_000089.3).
Identifiers: ClinVar variation 639342 (VCV000639342.11), dbSNP rs1584328061, ClinGen allele CA915945372.